The following is an entry in ClinVar:

ClinVar aggregate classification (germline): Uncertain significance. Review status: criteria provided, multiple submitters, no conflicts (2 of 4 stars). 3 submissions from 3 submitters: Uncertain significance (3). Last evaluated 2024-10-07.

Allele frequency attached by ClinVar (database versions not stated): gnomAD exomes 0.00003 and 0.00007; gnomAD 0.00006 and 0.00007; TOPMed 0.00006; ExAC 0.00008; 1000 Genomes Project 30x 0.00016; 1000 Genomes Project 0.00020.

Submissions (3):

Labcorp Genetics (formerly Invitae), Labcorp
Classification: Uncertain significance. Last evaluated: 2024-10-07. Review status: criteria provided, single submitter. Criteria: Invitae Variant Classification Sherloc (09022015). Collection method: clinical testing. Allele origin: germline.
Comment: This sequence change replaces glutamic acid, which is acidic and polar, with lysine, which is basic and polar, at codon 169 of the NDUFAF7 protein (p.Glu169Lys). This variant is present in population databases (rs60932599, gnomAD 0.06%), and has an allele count higher than expected for a pathogenic variant. This missense change has been observed in individual(s) with high myopia (PMID: 36964802). This variant is also known as c.799G>A, p.Glu267Lys. ClinVar contains an entry for this variant (Variation ID: 808730). An algorithm developed to predict the effect of missense changes on protein structure and function (PolyPhen-2) suggests that this variant is likely to be tolerated. In summary, the available evidence is currently insufficient to determine the role of this variant in disease. Therefore, it has been classified as a Variant of Uncertain Significance.

Ambry Genetics
Classification: Uncertain significance. Last evaluated: 2023-09-29. Review status: criteria provided, single submitter. Criteria: Ambry Variant Classification Scheme 2023. Collection method: clinical testing. Allele origin: germline.

CeGaT Center for Human Genetics Tuebingen
Classification: Uncertain significance. Last evaluated: 2018-12-01. Review status: criteria provided, single submitter. Criteria: CeGaT Center For Human Genetics Tuebingen Variant Classification Criteria Version 2. Collection method: clinical testing. Allele origin: germline. Affected: yes. Observed: 1 variant allele.

Literature cited by the submitters: PubMed 36964802 (cited by Labcorp Genetics (formerly Invitae), Labcorp).

NM_144736.5(NDUFAF7):c.799G>A (p.Glu267Lys)

Gene: NDUFAF7 (NADH:ubiquinone oxidoreductase complex assembly factor 7; plus strand). Cytogenetic location: 2p22.2.
Variant type: single nucleotide variant.
Coding change: c.799G>A on transcript NM_144736.5 (MANE Select); coding-DNA position 799, G replaced by A.
Protein change: p.Glu267Lys; replaces glutamic acid 267 with lysine.
Molecular consequence: missense variant. On other transcripts: non-coding transcript variant (10).
Genome position (GRCh38, 1-based): chr2:37,246,058, G>A. VCF-style: chr2-37246058-G-A. GRCh37 (hg19) VCF-style: chr2-37473201-G-A.
Other names: c.505G>A, p.Glu169Lys (NM_001083946.2); c.799G>A, p.Glu267Lys (NM_001350024.2); c.718G>A, p.Glu240Lys (NM_001350025.2); c.586G>A, p.Glu196Lys (NM_001350027.2); c.505G>A (NM_001083946.1); short protein forms E267K, E169K, E196K, E240K.
Identifiers: ClinVar variation 808730 (VCV000808730.50), dbSNP rs60932599, ClinGen allele CA1617296.
Genomic context (GRCh38, chr2:37,246,058, plus strand): 5'-GAAGTCATTCTTTTGAATGATGCATTTTGACTCTTGCAATGATCCCTTTACTAGCATGAC[G>A]AAACAAGGGATCATGTTGAAGTGTGTCCTGATGCTGGTGTTATCATCGAGGAACTTTCTC-3'
Protein context (NP_653337.1, residues 257-277): TPAEAFIQHD[Glu267Lys]TRDHVEVCPD